The following is an entry in ClinVar:

ClinVar aggregate classification (germline): Likely benign. Review status: criteria provided, multiple submitters, no conflicts (2 of 4 stars). 4 submissions from 4 submitters: Likely benign (3). 1 of the submissions does not count toward it. Last evaluated 2025-12-17.

Conditions:
Hereditary cancer-predisposing syndrome. Also called: Neoplastic Syndromes, Hereditary; Hereditary neoplastic syndrome; Hereditary Cancer Syndrome; Tumor predisposition. Identifiers: Orphanet 140162, MedGen C0027672, MeSH D009386, MONDO:0015356.
Familial adenomatous polyposis 2. Also called: MUTYH-associated polyposis; MUTYH-related attenuated familial adenomatous polyposis; Adenomas, multiple colorectal; COLORECTAL ADENOMATOUS POLYPOSIS, AUTOSOMAL RECESSIVE; ADENOMAS, MULTIPLE COLORECTAL, AUTOSOMAL RECESSIVE; MYH-associated polyposis. Identifiers: Orphanet 220460, Orphanet 247798, MedGen C3272841, MONDO:0012041, OMIM 608456.

Allele frequency attached by ClinVar (database versions not stated): TOPMed 0.00005.
gnomAD v4.1: 58 of 1,613,420 alleles (0.0036%); highest among the groups gnomAD compares: Admixed American, 0.01%; no homozygotes.

Submissions (4):

Labcorp Genetics (formerly Invitae), Labcorp
Classification: Likely benign for Familial adenomatous polyposis 2. Last evaluated: 2025-12-17. Review status: criteria provided, single submitter. Criteria: Invitae Variant Classification Sherloc (09022015). Collection method: clinical testing. Allele origin: germline.

GeneDx
Classification: Likely benign. Last evaluated: 2017-06-28. Review status: criteria provided, single submitter. Criteria: GeneDx Variant Classification (06012015). Collection method: clinical testing. Allele origin: germline. Affected: yes.
Comment: This variant is considered likely benign or benign based on one or more of the following criteria: it is a conservative change, it occurs at a poorly conserved position in the protein, it is predicted to be benign by multiple in silico algorithms, and/or has population frequency not consistent with disease.

Color Diagnostics, LLC DBA Color Health
Classification: Likely benign for Hereditary cancer-predisposing syndrome. Last evaluated: 2016-08-12. Review status: criteria provided, single submitter. Criteria: ACMG Guidelines, 2015. Collection method: clinical testing. Allele origin: germline.

Counsyl
Classification: Likely benign for Familial adenomatous polyposis 2. Last evaluated: 2016-11-07. Review status: no assertion criteria provided. Collection method: clinical testing. Allele origin: unknown. Not counted in ClinVar's aggregate classification.

NM_001128425.2(MUTYH):c.36+20C>G

Genes: MUTYH (mutY DNA glycosylase; minus strand), TOE1 (target of EGR1, exonuclease; plus strand). Cytogenetic location: 1p34.1.
Variant type: single nucleotide variant.
Coding change: c.36+20C>G on transcript NM_001128425.2 (MANE Plus Clinical); 20 bases into the intron after coding-DNA position 36, C replaced by G.
Molecular consequence: intron variant. On other transcripts: 5 prime UTR variant (1).
Genome position (GRCh38, 1-based): chr1:45,340,199, G>C on the plus strand (C>G on the coding strand, the complement: MUTYH is on the minus strand). VCF-style: chr1-45340199-G-C. GRCh37 (hg19) VCF-style: chr1-45805871-G-C.
Other names: c.-54G>C (NM_025077.4); c.-7+24C>G (NM_001407072.1); c.-214+20C>G (NM_001350651.2); c.-219+20C>G (NM_001293192.2); c.-278+20C>G (NM_001350650.2); c.36+20C>G (NM_001407073.1, NM_001293190.2, NM_001407069.1 and 1 more transcripts); c.-7+20C>G (NM_001048171.2); c.-7+4C>G (NM_001407070.1, NM_001407071.1).
Identifiers: ClinVar variation 371683 (VCV000371683.13), dbSNP rs540793556, ClinGen allele CA16040741.